The following is an entry in ClinVar:

ClinVar aggregate classification (germline): Uncertain significance (1 of 4 stars; one submission).

Conditions:
Pigmentary retinal dystrophy. Also called: Fundus albipunctatus. Identifiers: Orphanet 227796, Orphanet 52427, MedGen C0311338, MONDO:0007639, OMIM 136880, HP:0030642.
Congenital stationary night blindness autosomal dominant 1. Also called: NIGHT BLINDNESS, CONGENITAL STATIONARY, RHODOPSIN-RELATED. Identifiers: Orphanet 215, MedGen C1864869, MONDO:0012498, OMIM 610445.
Retinitis pigmentosa 4 (RP4). Also called: RETINITIS PIGMENTOSA, RHODOPSIN-RELATED. Identifiers: Orphanet 791, MedGen C3151001, MONDO:0013395, OMIM 613731.

Submission:

Juno Genomics, Hangzhou Juno Genomics, Inc
Classification: Uncertain significance for Congenital stationary night blindness autosomal dominant 1; Retinitis pigmentosa 4; Pigmentary retinal dystrophy. Review status: criteria provided, single submitter. Criteria: ACMG Guidelines, 2015. Collection method: clinical testing. Allele origin: germline.
Comment: Absent from controls (or at extremely low frequency if recessive) in Genome Aggregation Database.;Multiple lines of computational evidence support a deleterious effect on the gene or gene product.

NM_000539.3(RHO):c.85T>C (p.Tyr29His)

Gene: RHO (rhodopsin; plus strand). Cytogenetic location: 3q22.1.
Variant type: single nucleotide variant.
Coding change: c.85T>C on transcript NM_000539.3 (MANE Select); coding-DNA position 85, T replaced by C.
Protein change: p.Tyr29His; replaces tyrosine 29 with histidine.
Molecular consequence: missense variant.
Genome position (GRCh38, 1-based): chr3:129,528,818, T>C. VCF-style: chr3-129528818-T-C. GRCh37 (hg19) VCF-style: chr3-129247661-T-C.
Other names: short protein forms Y29H.
Identifiers: ClinVar variation 5006536 (VCV005006536.2).
Genomic context (GRCh38, chr3:129,528,818, plus strand): 5'-TTCTACGTGCCCTTCTCCAATGCGACGGGTGTGGTACGCAGCCCCTTCGAGTACCCACAG[T>C]ACTACCTGGCTGAGCCATGGCAGTTCTCCATGCTGGCCGCCTACATGTTTCTGCTGATCG-3'
Protein context (NP_000530.1, residues 19-39): VVRSPFEYPQ[Tyr29His]YLAEPWQFSM